The following is an entry in ClinVar:

ClinVar aggregate classification (germline): Uncertain significance (1 of 4 stars; one submission).

Allele frequency attached by ClinVar (database versions not stated): gnomAD exomes below 0.00001.
gnomAD v4.1: 3 of 1,613,910 alleles (0.00019%); highest among the groups gnomAD compares: Non-Finnish European, 0.00025%; no homozygotes.

Submission:

Ambry Genetics
Classification: Uncertain significance. Last evaluated: 2024-08-31. Review status: criteria provided, single submitter. Criteria: Ambry Variant Classification Scheme 2023. Collection method: clinical testing. Allele origin: germline.
Comment: The p.P1096L variant (also known as c.3287C>T), located in coding exon 16 of the POLQ gene, results from a C to T substitution at nucleotide position 3287. The proline at codon 1096 is replaced by leucine, an amino acid with similar properties. This amino acid position is conserved. In addition, this alteration is predicted to be tolerated by in silico analysis. Since supporting evidence is limited at this time, the clinical significance of this alteration remains unclear.

NM_199420.4(POLQ):c.3287C>T (p.Pro1096Leu)

Gene: POLQ (DNA polymerase theta; minus strand). Cytogenetic location: 3q13.33.
Variant type: single nucleotide variant.
Coding change: c.3287C>T on transcript NM_199420.4 (MANE Select); coding-DNA position 3287, C replaced by T.
Protein change: p.Pro1096Leu; replaces proline 1096 with leucine.
Molecular consequence: missense variant.
Genome position (GRCh38, 1-based): chr3:121,489,644, G>A on the plus strand (C>T on the coding strand, the complement: POLQ is on the minus strand). VCF-style: chr3-121489644-G-A. GRCh37 (hg19) VCF-style: chr3-121208491-G-A.
Other names: short protein forms P1096L.
Identifiers: ClinVar variation 1729795 (VCV001729795.3), dbSNP rs2546787588, ClinGen allele CA354100844.